The following is an entry in ClinVar:

ClinVar aggregate classification (germline): Likely benign (1 of 4 stars; one submission).

Submission:

CeGaT Center for Human Genetics Tuebingen
Classification: Likely benign. Last evaluated: 2023-02-01. Review status: criteria provided, single submitter. Criteria: CeGaT Center For Human Genetics Tuebingen Variant Classification Criteria Version 2. Collection method: clinical testing. Allele origin: germline. Affected: yes. Observed: 1 variant allele.
Comment: OR8D2: PM2:Supporting, BP4, BP7

NM_001002918.1(OR8D2):c.675C>A (p.Ile225=)

Gene: OR8D2 (olfactory receptor family 8 subfamily D member 2; minus strand). Cytogenetic location: 11q24.2.
Variant type: single nucleotide variant.
Coding change: c.675C>A on transcript NM_001002918.1 (MANE Select); coding-DNA position 675, C replaced by A.
Protein change: p.Ile225=; no amino-acid change (isoleucine 225 retained).
Molecular consequence: synonymous variant.
Genome position (GRCh38, 1-based): chr11:124,319,523, G>T on the plus strand (C>A on the coding strand, the complement: OR8D2 is on the minus strand). VCF-style: chr11-124319523-G-T. GRCh37 (hg19) VCF-style: chr11-124189419-G-T.
Identifiers: ClinVar variation 2642494 (VCV002642494.24), dbSNP rs2496812598, ClinGen allele CA477396161.